The following is an entry in ClinVar:

NM_018116.4(MSTO1):c.1350G>C (p.Leu450Phe)

Gene: MSTO1 (misato mitochondrial distribution and morphology regulator 1; plus strand). Cytogenetic location: 1q22.
Variant type: single nucleotide variant.
Coding change: c.1350G>C on transcript NM_018116.4 (MANE Select); coding-DNA position 1350, G replaced by C.
Protein change: p.Leu450Phe; replaces leucine 450 with phenylalanine.
Molecular consequence: missense variant. On other transcripts: non-coding transcript variant (6).
Genome position (GRCh38, 1-based): chr1:155,613,528, G>C. VCF-style: chr1-155613528-G-C. GRCh37 (hg19) VCF-style: chr1-155583319-G-C.
Other names: NM_018116.4:c.1350G>C; c.1350G>C, p.Leu450Phe (NM_001256532.1, NM_001256533.1, NM_001350772.1 and 1 more transcripts); c.1387G>C, p.Gly463Arg (NM_001350773.1, NM_001350774.1); c.1185G>C, p.Leu395Phe (NM_001350776.1); c.819G>C, p.Leu273Phe (NM_001350777.1, NM_001350778.1, NM_001350779.1); c.816G>C, p.Leu272Phe (NM_001350780.1, NM_001350781.1, NM_001350782.1 and 2 more transcripts); c.807G>C, p.Leu269Phe (NM_001350784.1, NM_001350785.1, NM_001350787.1 and 1 more transcripts); c.853G>C, p.Gly285Arg (NM_001350786.1); short protein forms G285R, G463R, L269F, L272F, L273F, L395F, L450F.
Identifiers: ClinVar variation 3383325 (VCV003383325.1).

ClinVar aggregate classification (germline): Likely pathogenic (1 of 4 stars; one submission).

Conditions:
Myopathy. Identifiers: MedGen C0026848, MeSH D009135, MONDO:0005336, HP:0003198.

Submission:

Broad Center for Mendelian Genomics, Broad Institute of MIT and Harvard
Classification: Likely pathogenic for Myopathy. Last evaluated: 2024-11-27. Review status: criteria provided, single submitter. Criteria: ACMG Guidelines, 2015. Collection method: curation. Allele origin: germline. Inheritance: Autosomal recessive inheritance. Study: GREGoR Consortium.
Comment: This variant was absent from large population studies. In vitro functional studies provide some evidence that the p.Leu450Phe variant may impact protein function (PMID: 31463572). However, these types of assays may not accurately represent biological function. Computational prediction tools and conservation analyses do not provide strong support for or against an impact to the protein. In summary, although additional studies are required to fully establish its clinical significance, this variant is likely pathogenic. ACMG/AMP Criteria applied: PS3, PM2_supporting, PM3 (Richards 2015).

Literature cited by the submitters: PubMed 31463572.